The following is an entry in ClinVar:

NM_016529.6(ATP8A2):c.2159G>T (p.Arg720Leu)

Gene: ATP8A2 (ATPase phospholipid transporting 8A2). Cytogenetic location: 13q12.13.
Variant type: single nucleotide variant.
Coding change: c.2159G>T on transcript NM_016529.6 (MANE Select); coding-DNA position 2159, G replaced by T.
Protein change: p.Arg720Leu; replaces arginine 720 with leucine.
Molecular consequence: missense variant.
Genome position (GRCh38, 1-based): chr13:25,589,647, G>T. VCF-style: chr13-25589647-G-T. GRCh37 (hg19) VCF-style: chr13-26163785-G-T.
Other names: c.2039G>T, p.Arg680Leu (NM_001313741.1); c.2159G>T, p.Arg720Leu (NM_001411005.1, NM_001411006.1); short protein forms R680L, R720L.
Identifiers: ClinVar variation 2009224 (VCV002009224.5), dbSNP rs372419009, ClinGen allele CA387615772.

ClinVar aggregate classification (germline): Uncertain significance (1 of 4 stars; one submission).

gnomAD v4.1: 1 of 1,611,704 alleles (0.000062%); highest among the groups gnomAD compares: Non-Finnish European, 0.000085%; no homozygotes.

Submissions (2):

Labcorp Genetics (formerly Invitae), Labcorp
Classification: Uncertain significance. Last evaluated: 2023-05-08. Review status: criteria provided, single submitter. Criteria: Invitae Variant Classification Sherloc (09022015). Collection method: clinical testing. Allele origin: germline.
Comment: Advanced modeling of protein sequence and biophysical properties (such as structural, functional, and spatial information, amino acid conservation, physicochemical variation, residue mobility, and thermodynamic stability) performed at Invitae indicates that this missense variant is not expected to disrupt ATP8A2 protein function. In summary, the available evidence is currently insufficient to determine the role of this variant in disease. Therefore, it has been classified as a Variant of Uncertain Significance. ClinVar contains an entry for this variant (Variation ID: 2009224). This variant has not been reported in the literature in individuals affected with ATP8A2-related conditions. This variant is not present in population databases (gnomAD no frequency). This sequence change replaces arginine, which is basic and polar, with leucine, which is neutral and non-polar, at codon 720 of the ATP8A2 protein (p.Arg720Leu).

Dr. Peter K. Rogan Lab, Western University
No classification provided (evidence only). Condition: Lung cancer. Review status: no classification provided. Collection method: in vitro. Allele origin: not applicable. Functional consequence: retained intron. Not counted in ClinVar's aggregate classification.